The following is an entry in ClinVar:

ClinVar aggregate classification (germline): Uncertain significance. Review status: criteria provided, multiple submitters, no conflicts (2 of 4 stars). 2 submissions from 2 submitters: Uncertain significance (2). Last evaluated 2023-09-02.

Conditions:
Familial cancer of breast. Also called: Hereditary breast cancer; hereditary breast carcinoma; BREAST CANCER, FAMILIAL. Identifiers: Orphanet 227535, MedGen C0346153, MONDO:0016419, OMIM 114480. Disease mechanism: loss of function.
Hereditary cancer-predisposing syndrome. Also called: Neoplastic Syndromes, Hereditary; Hereditary Cancer Syndrome; Tumor predisposition; Hereditary neoplastic syndrome. Identifiers: Orphanet 140162, MedGen C0027672, MeSH D009386, MONDO:0015356.

Submissions (2):

Ambry Genetics
Classification: Uncertain significance for Hereditary cancer-predisposing syndrome. Last evaluated: 2023-09-02. Review status: criteria provided, single submitter. Criteria: Ambry Variant Classification Scheme 2023. Collection method: clinical testing. Allele origin: germline.
Comment: The c.1461+4G>C intronic variant results from a G to C substitution 4 nucleotides after coding exon 12 in the CHEK2 gene. This nucleotide position is not well conserved in available vertebrate species. In silico splice site analysis predicts that this alteration will not have any significant effect on splicing. Since supporting evidence is limited at this time, the clinical significance of this alteration remains unclear.

Labcorp Genetics (formerly Invitae), Labcorp
Classification: Uncertain significance for Familial cancer of breast. Last evaluated: 2019-06-07. Review status: criteria provided, single submitter. Criteria: Invitae Variant Classification Sherloc (09022015). Collection method: clinical testing. Allele origin: germline.
Comment: In summary, the available evidence is currently insufficient to determine the role of this variant in disease. Therefore, it has been classified as a Variant of Uncertain Significance. Nucleotide substitutions within the consensus splice site are a relatively common cause of aberrant splicing (PMID: 17576681, 9536098). Algorithms developed to predict the effect of sequence changes on RNA splicing suggest that this variant is not likely to affect RNA splicing, but this prediction has not been confirmed by published transcriptional studies. This variant has not been reported in the literature in individuals with CHEK2-related conditions. This variant is not present in population databases (ExAC no frequency). This sequence change falls in intron 13 of the CHEK2 gene. It does not directly change the encoded amino acid sequence of the CHEK2 protein, but it affects a nucleotide within the consensus splice site of the intron.

Literature cited by the submitters: PubMed 17576681 (cited by Labcorp Genetics (formerly Invitae), Labcorp); PubMed 9536098 (cited by Labcorp Genetics (formerly Invitae), Labcorp).

NM_007194.4(CHEK2):c.1461+4G>C

Gene: CHEK2 (checkpoint kinase 2; minus strand). Cytogenetic location: 22q12.1.
Variant type: single nucleotide variant.
Coding change: c.1461+4G>C on transcript NM_007194.4 (MANE Select); 4 bases into the intron after coding-DNA position 1461, G replaced by C.
Molecular consequence: intron variant.
Genome position (GRCh38, 1-based): chr22:28,694,028, C>G on the plus strand (G>C on the coding strand, the complement: CHEK2 is on the minus strand). VCF-style: chr22-28694028-C-G. GRCh37 (hg19) VCF-style: chr22-29090016-C-G.
Other names: c.798+4G>C (NM_001437942.1, NM_001257387.3); c.1260+4G>C (NM_001349956.3); c.1374+4G>C (NM_145862.3); c.1467+4G>C (NM_001438295.1); c.1554+4G>C (NM_001438293.1); c.1503+4G>C (NM_001438294.1); c.1590+4G>C (NM_001005735.3).
Identifiers: ClinVar variation 855305 (VCV000855305.12), dbSNP rs1057522400, ClinGen allele CA916083791.